The following is an entry in ClinVar:

NM_033380.3(COL4A5):c.4379G>A (p.Gly1460Glu)

Gene: COL4A5 (collagen type IV alpha 5 chain; plus strand). Cytogenetic location: Xq22.3.
Variant type: single nucleotide variant.
Coding change: c.4379G>A on transcript NM_033380.3 (MANE Select); coding-DNA position 4379, G replaced by A.
Protein change: p.Gly1460Glu; replaces glycine 1460 with glutamic acid.
Molecular consequence: missense variant.
Genome position (GRCh38, 1-based): chrX:108,687,545, G>A. VCF-style: chrX-108687545-G-A. GRCh37 (hg19) VCF-style: chrX-107930775-G-A.
Other names: c.4361G>A, p.Gly1454Glu (NM_000495.5); short protein forms G1454E, G1460E.
Identifiers: ClinVar variation 3339286 (VCV003339286.1).

ClinVar aggregate classification (germline): Uncertain significance (1 of 4 stars; one submission).

gnomAD v4.1: 1 of 1,211,553 alleles (0.000083%); no homozygotes.

Submission:

Women's Health and Genetics/Laboratory Corporation of America, LabCorp
Classification: Uncertain significance. Last evaluated: 2024-07-29. Review status: criteria provided, single submitter. Criteria: LabCorp Variant Classification Summary - May 2015. Collection method: clinical testing. Allele origin: germline.
Comment: Variant summary: COL4A5 c.4361G>A (p.Gly1454Glu) results in a non-conservative amino acid change located within the Triple-helical region (Uniprot) (IPR008160) of the encoded protein sequence. This p.Gly1454Glu variant disrupts a glycine residue at a position in the collagenous domain of the collagen IV alpha 5 chain for which the impact is not known (PMID: 33854215). Five of five in-silico tools predict a damaging effect of the variant on protein function. The variant was absent in 183216 control chromosomes. The available data on variant occurrences in the general population are insufficient to allow any conclusion about variant significance. To our knowledge, no occurrence of c.4361G>A in individuals affected with Alport Syndrome 1, X-Linked Recessive and no experimental evidence demonstrating its impact on protein function have been reported. No submitters have cited clinical-significance assessments for this variant to ClinVar. Based on the evidence outlined above, the variant was classified as uncertain significance.